The following is an entry in ClinVar:

NM_001080517.3(SETD5):c.1785_1797dup (p.Lys600fs)

Gene: SETD5 (SET domain containing 5; plus strand). Cytogenetic location: 3p25.3.
Variant type: Duplication.
Coding change: c.1785_1797dup on transcript NM_001080517.3 (MANE Select); coding-DNA positions 1785 to 1797, 13 bases duplicated (TATTGCTGCAGAA).
Protein change: p.Lys600fs; shifts the reading frame from lysine 600.
Molecular consequence: frameshift variant.
Genome position (GRCh38, 1-based): chr3:9,447,688-9,447,700, TATTGCTGCAGAA duplicated; duplicating any 13 consecutive bases within chr3:9,447,687-9,447,700 gives the same sequence; the c. name uses the placement nearest the transcript's 3' end. VCF-style (leftmost placement, unchanged base first): chr3-9447686-G-GATATTGCTGCAGA. GRCh37 (hg19) VCF-style: chr3-9489370-G-GATATTGCTGCAGA.
Other names: c.1491_1503dup, p.Lys502fs (NM_001292043.2, NM_001349451.2); c.1881_1893dup, p.Lys632fs (NM_001437633.1); c.1842_1854dup, p.Lys619fs (NM_001437635.1); c.1785_1797dup, p.Lys600fs (NM_001437643.1); c.1824_1836dup, p.Lys613fs (NM_001437701.1); short protein forms K502fs, K600fs, K613fs, K619fs, K632fs.
Identifiers: ClinVar variation 4879713 (VCV004879713.1).
Genomic context (GRCh38, chr3:9,447,686, plus strand): 5'-AATTAGACTGTTTGCTGATAAAACATTTCTGGTAAGCATCTGACCCTACTATTGCTACAG[G>GATATTGCTGCAGA]ATATTGCTGCAGAAAAACTAGTCCCCAAGCCACCTCCAGCAAAGCCTTCTAGGCCCCGGC-3'

ClinVar aggregate classification (germline): Pathogenic (1 of 4 stars; one submission).

Conditions:
Intellectual disability-facial dysmorphism syndrome due to SETD5 haploinsufficiency (MRD23). Also called: Intellectual developmental disorder, autosomal dominant 23. Identifiers: Orphanet 404440, MedGen C3810406, MONDO:0014336, OMIM 615761.

Submission:

Victorian Clinical Genetics Services, Murdoch Childrens Research Institute
Classification: Pathogenic for Intellectual disability-facial dysmorphism syndrome due to SETD5 haploinsufficiency. Last evaluated: 2026-07-21. Review status: criteria provided, single submitter. Criteria: ACMG Guidelines, 2015. Collection method: clinical testing. Allele origin: germline. Affected: yes.
Comment: This variant is classified as Pathogenic. Evidence in support of pathogenic classification: This variant is predicted to cause nonsense-mediated decay (NMD) and loss of protein (premature termination codon is located at least 54 nucleotides upstream of the final exon-exon junction); This variant is absent from gnomAD v4; Other variants comparable to the one identified in this case have very strong previous evidence for pathogenicity (DECIPHER). Additional information: This variant is heterozygous; This gene is associated with autosomal dominant disease; This variant has no previous evidence of pathogenicity; No published evidence of segregation with disease has been identified for this variant; No published functional evidence has been identified for this variant; Loss of function is a known mechanism of disease in this gene and is associated with intellectual developmental disorder, autosomal dominant 23 (MIM#615761); Variants in this gene are known to have variable expressivity. Some mildly affected parents with the same SETD5 variant as their more severely affected children have been reported (PMID: 28881385, 27375234).

Literature cited by the submitters: PubMed 28881385; PubMed 27375234.